The following is an entry in ClinVar:

ClinVar aggregate classification (germline): Pathogenic (1 of 4 stars; one submission).

Conditions:
X-linked Alport syndrome (ATS1). Also called: NEPHROPATHY AND DEAFNESS, X-LINKED; COL4A5-Related Nephropathy. Identifiers: Orphanet 63, Orphanet 88917, MedGen C4746986, MONDO:0010520, OMIM 301050.

Submission:

Myriad Genetics, Inc.
Classification: Pathogenic for X-linked Alport syndrome. Last evaluated: 2023-09-27. Review status: criteria provided, single submitter. Criteria: Myriad Autosomal Dominant, Autosomal Recessive and X-Linked Classification Criteria (2023). Collection method: clinical testing. Allele origin: unknown.
Comment: NM_000495.4(COL4A5):c.1691dupG(S565Ffs*35) is expected to be pathogenic in the context of X-linked Alport syndrome. This variant is predicted to lead to an abnormal or absent protein product due to the creation of a premature termination codon in COL4A5, a gene where loss-of-function variants are known to be pathogenic. Please note: this variant was assessed in the context of healthy population screening.

NM_033380.3(COL4A5):c.1691dup (p.Ser565fs)

Gene: COL4A5 (collagen type IV alpha 5 chain; plus strand). Cytogenetic location: Xq22.3.
Variant type: Duplication.
Coding change: c.1691dup on transcript NM_033380.3 (MANE Select); coding-DNA position 1691, one base duplicated (G; older notation c.1691dupG).
Protein change: p.Ser565fs; shifts the reading frame from serine 565.
Molecular consequence: frameshift variant.
Genome position (GRCh38, 1-based): chrX:108,597,480, G duplicated; the last of 3 consecutive G bases (chrX:108,597,478-108,597,480); duplicating any one gives the same sequence. VCF-style (leftmost placement, unchanged base first): chrX-108597477-T-TG. GRCh37 (hg19) VCF-style: chrX-107840707-T-TG.
Other names: c.1691dup, p.Ser565fs (NM_000495.5); short protein forms S565fs.
Identifiers: ClinVar variation 5012288 (VCV005012288.1).